The following is an entry in ClinVar:

NM_015631.6(TCTN3):c.1203+1G>C

Gene: TCTN3 (tectonic family member 3; minus strand). Cytogenetic location: 10q24.1.
Variant type: single nucleotide variant.
Coding change: c.1203+1G>C on transcript NM_015631.6 (MANE Select); the canonical splice donor site of the intron after coding-DNA position 1203, G replaced by C.
Molecular consequence: splice donor variant.
Genome position (GRCh38, 1-based): chr10:95,683,521, C>G on the plus strand (G>C on the coding strand, the complement: TCTN3 is on the minus strand). VCF-style: chr10-95683521-C-G. GRCh37 (hg19) VCF-style: chr10-97443278-C-G.
Other names: c.759+1G>C (NM_001143973.2); c.1122+1G>C (NM_001410982.1).
Identifiers: ClinVar variation 1518443 (VCV001518443.8), dbSNP rs1221992171, ClinGen allele CA377704396.

ClinVar aggregate classification (germline): Likely pathogenic (1 of 4 stars; one submission).

Conditions:
Joubert syndrome 18 (JBTS18). Identifiers: Orphanet 2754, MedGen C3553758, MONDO:0013896, OMIM 614815.
Orofacial-digital syndrome IV (OFD4). Also called: Orofaciodigital syndrome IV; BARAITSER-BURN SYNDROME; MOHR-MAJEWSKI SYNDROME; OFD SYNDROME WITH TIBIAL DEFECTS; OFD SYNDROME, BARAITSER-BURN TYPE; OFDS IV. Identifiers: Orphanet 2753, MedGen C0406727, MONDO:0009794, OMIM 258860.

Allele frequency attached by ClinVar (database versions not stated): gnomAD exomes below 0.00001; gnomAD 0.00001; TOPMed 0.00001.
gnomAD v4.1: 7 of 1,614,044 alleles (0.00043%); highest among the groups gnomAD compares: Non-Finnish European, 0.00051%; no homozygotes.

Submission:

Labcorp Genetics (formerly Invitae), Labcorp
Classification: Likely pathogenic for Joubert syndrome 18; Orofacial-digital syndrome IV. Last evaluated: 2022-07-19. Review status: criteria provided, single submitter. Criteria: Invitae Variant Classification Sherloc (09022015). Collection method: clinical testing. Allele origin: germline.
Comment: In summary, the currently available evidence indicates that the variant is pathogenic, but additional data are needed to prove that conclusively. Therefore, this variant has been classified as Likely Pathogenic. This sequence change affects a donor splice site in intron 10 of the TCTN3 gene. It is expected to disrupt RNA splicing. Variants that disrupt the donor or acceptor splice site typically lead to a loss of protein function (PMID: 16199547), and loss-of-function variants in TCTN3 are known to be pathogenic (PMID: 2692869, 22883145, 25118024). This variant is not present in population databases (gnomAD no frequency). This variant has not been reported in the literature in individuals affected with TCTN3-related conditions. ClinVar contains an entry for this variant (Variation ID: 1518443). Algorithms developed to predict the effect of sequence changes on RNA splicing suggest that this variant may disrupt the consensus splice site.

Literature cited by the submitters: PubMed 16199547; PubMed 2692869; PubMed 22883145; PubMed 25118024.